The following is an entry in ClinVar:

NM_006031.6(PCNT):c.4004-14T>G

Gene: PCNT (pericentrin; plus strand). Cytogenetic location: 21q22.3.
Variant type: single nucleotide variant.
Coding change: c.4004-14T>G on transcript NM_006031.6 (MANE Select); 14 bases into the intron before coding-DNA position 4004, T replaced by G.
Molecular consequence: intron variant.
Genome position (GRCh38, 1-based): chr21:46,391,150, T>G. VCF-style: chr21-46391150-T-G. GRCh37 (hg19) VCF-style: chr21-47811065-T-G.
Other names: c.3650-14T>G (NM_001315529.2).
Identifiers: ClinVar variation 2127085 (VCV002127085.1), dbSNP rs1303964340, ClinGen allele CA638499392.

ClinVar aggregate classification (germline): Uncertain significance (1 of 4 stars; one submission).

Allele frequency attached by ClinVar (database versions not stated): gnomAD exomes below 0.00001; TOPMed below 0.00001; gnomAD 0.00001.
gnomAD v4.1: 2 of 1,568,428 alleles (0.00013%); highest among the groups gnomAD compares: Non-Finnish European, 0.00017%; no homozygotes.

Submission:

Labcorp Genetics (formerly Invitae), Labcorp
Classification: Uncertain significance. Last evaluated: 2022-04-23. Review status: criteria provided, single submitter. Criteria: Invitae Variant Classification Sherloc (09022015). Collection method: clinical testing. Allele origin: germline.
Comment: This sequence change falls in intron 20 of the PCNT gene. It does not directly change the encoded amino acid sequence of the PCNT protein. This variant is present in population databases (no rsID available, gnomAD 0.001%). This variant has not been reported in the literature in individuals affected with PCNT-related conditions. Algorithms developed to predict the effect of sequence changes on RNA splicing suggest that this variant may create or strengthen a splice site. In summary, the available evidence is currently insufficient to determine the role of this variant in disease. Therefore, it has been classified as a Variant of Uncertain Significance.